The following is an entry in ClinVar:

NM_000081.4(LYST):c.2801G>A (p.Ser934Asn)

Gene: LYST (lysosomal trafficking regulator; minus strand). Cytogenetic location: 1q42.3.
Variant type: single nucleotide variant.
Coding change: c.2801G>A on transcript NM_000081.4 (MANE Select); coding-DNA position 2801, G replaced by A.
Protein change: p.Ser934Asn; replaces serine 934 with asparagine.
Molecular consequence: missense variant.
Genome position (GRCh38, 1-based): chr1:235,806,335, C>T on the plus strand (G>A on the coding strand, the complement: LYST is on the minus strand). VCF-style: chr1-235806335-C-T. GRCh37 (hg19) VCF-style: chr1-235969635-C-T.
Other names: c.2801G>A, p.Ser934Asn (NM_001301365.1); short protein forms S934N.
Identifiers: ClinVar variation 1350935 (VCV001350935.5), dbSNP rs1672830238, ClinGen allele CA344955214.

ClinVar aggregate classification (germline): Uncertain significance (1 of 4 stars; one submission).

Conditions:
Chédiak-Higashi syndrome (CHS). Also called: Chediak-Higashi Syndrome. Identifiers: Orphanet 167, MedGen C0007965, MONDO:0008963, OMIM 214500.

Allele frequency attached by ClinVar (database versions not stated): gnomAD 0.00001.
gnomAD v4.1: 1 of 1,613,896 alleles (0.000062%); highest among the groups gnomAD compares: Non-Finnish European, 0.000085%; no homozygotes.

Submission:

Labcorp Genetics (formerly Invitae), Labcorp
Classification: Uncertain significance for Chédiak-Higashi syndrome. Last evaluated: 2024-12-16. Review status: criteria provided, single submitter. Criteria: Invitae Variant Classification Sherloc (09022015). Collection method: clinical testing. Allele origin: germline.
Comment: This sequence change replaces serine, which is neutral and polar, with asparagine, which is neutral and polar, at codon 934 of the LYST protein (p.Ser934Asn). This variant is not present in population databases (gnomAD no frequency). This variant has not been reported in the literature in individuals affected with LYST-related conditions. ClinVar contains an entry for this variant (Variation ID: 1350935). Invitae Evidence Modeling of protein sequence and biophysical properties (such as structural, functional, and spatial information, amino acid conservation, physicochemical variation, residue mobility, and thermodynamic stability) indicates that this missense variant is not expected to disrupt LYST protein function with a negative predictive value of 80%. In summary, the available evidence is currently insufficient to determine the role of this variant in disease. Therefore, it has been classified as a Variant of Uncertain Significance.